The following is an entry in ClinVar:

NC_000013.10:g.(?_32900218)_(32903649_?)del

Gene: BRCA2 (BRCA2 DNA repair associated; plus strand). Cytogenetic location: 13q13.1.
Variant type: Deletion.
Identifiers: ClinVar variation 2422273 (VCV002422273.6).

ClinVar aggregate classification (germline): Pathogenic (1 of 4 stars; one submission).

Conditions:
Hereditary breast ovarian cancer syndrome. Also called: Hereditary breast and ovarian cancer syndrome; Hereditary breast and ovarian cancer; Hereditary breast and/or ovarian cancer syndrome; Hereditary breast and ovarian cancer syndrome (HBOC); Breast and ovarian cancer; BRCA1- and BRCA2-Associated Hereditary Breast and Ovarian Cancer. Identifiers: Orphanet 145, MedGen C0677776, MeSH D061325, MONDO:0003582. Disease mechanism: loss of function.

Submission:

Labcorp Genetics (formerly Invitae), Labcorp
Classification: Pathogenic for Hereditary breast ovarian cancer syndrome. Last evaluated: 2021-11-05. Review status: criteria provided, single submitter. Criteria: Invitae Variant Classification Sherloc (09022015). Collection method: clinical testing. Allele origin: germline.
Comment: For these reasons, this variant has been classified as Pathogenic. This variant has not been reported in the literature in individuals affected with BRCA2-related conditions. This variant is a gross deletion of the genomic region encompassing exon(s) 5-8 of the BRCA2 gene. This deletion is out-of-frame, and is expected to create a premature termination codon and result in an absent or disrupted protein product. Loss-of-function variants in BRCA2 are known to be pathogenic (PMID: 20104584).

Literature cited by the submitters: PubMed 20104584.